The following is an entry in ClinVar:

NM_002230.4(JUP):c.521C>T (p.Ala174Val)

Gene: JUP (junction plakoglobin; minus strand). Cytogenetic location: 17q21.2.
Variant type: single nucleotide variant.
Coding change: c.521C>T on transcript NM_002230.4 (MANE Select); coding-DNA position 521, C replaced by T.
Protein change: p.Ala174Val; replaces alanine 174 with valine.
Molecular consequence: missense variant.
Genome position (GRCh38, 1-based): chr17:41,769,155, G>A on the plus strand (C>T on the coding strand, the complement: JUP is on the minus strand). VCF-style: chr17-41769155-G-A. GRCh37 (hg19) VCF-style: chr17-39925407-G-A.
Other names: p.Ala174Val; c.521C>T, p.Ala174Val (NM_001352773.2, NM_001352774.2, NM_001352775.2 and 3 more transcripts); short protein forms A174V.
Identifiers: ClinVar variation 264367 (VCV000264367.15), dbSNP rs146786437, ClinGen allele CA10587905.
Genomic context (GRCh38, chr17:41,769,155, plus strand): 5'-TGCATGGTACGCACGACAGCGGCCACCAGCTGGGGCGAGCCCATCAGGGCCCGCCGCGAC[G>A]CCTCCTTCTTCGACAGCTGGTTCACAATCATGGCCGCCTTGGTCACCACCACCTGGAGGG-3'
Protein context (NP_002221.1, residues 164-184): MIVNQLSKKE[Ala174Val]SRRALMGSPQ

ClinVar aggregate classification (germline): Conflicting classifications of pathogenicity. Review status: criteria provided, conflicting classifications (1 of 4 stars). 5 submissions from 5 submitters: Uncertain significance (4); Likely benign (1). Last evaluated 2025-05-22.

Conditions:
Cardiovascular phenotype. Identifiers: MedGen CN230736.
Arrhythmogenic right ventricular dysplasia 12. Also called: ARRHYTHMOGENIC RIGHT VENTRICULAR DYSPLASIA, FAMILIAL, 12. Identifiers: MedGen C1969081, MONDO:0012684, OMIM 611528.
Naxos disease (NXD). Also called: CARDIOMYOPATHY, ARRHYTHMOGENIC RIGHT VENTRICULAR, WITH SKIN, HAIR, AND NAIL ABNORMALITIES; KERATOSIS PALMOPLANTARIS WITH ARRHYTHMOGENIC CARDIOMYOPATHY; MAL DE NAXOS; PALMOPLANTAR KERATODERMA WITH ARRHYTHMOGENIC RIGHT VENTRICULAR CARDIOMYOPATHY AND WOOLLY HAIR; WOOLLY HAIR, PALMOPLANTAR KERATODERMA, AND CARDIAC ABNORMALITIES. Identifiers: Orphanet 34217, MedGen C1832600, MONDO:0011017, OMIM 601214.

Allele frequency attached by ClinVar (database versions not stated): TOPMed 0.00001; gnomAD 0.00002 and 0.00003; gnomAD exomes 0.00002; ESP Exome Variant Server 0.00008.
gnomAD v4.1: 32 of 1,606,120 alleles (0.002%); highest among the groups gnomAD compares: Admixed American, 0.012%; no homozygotes.

Submissions (5):

Labcorp Genetics (formerly Invitae), Labcorp
Classification: Uncertain significance for Arrhythmogenic right ventricular dysplasia 12; Naxos disease. Last evaluated: 2025-05-22. Review status: criteria provided, single submitter. Criteria: Invitae Variant Classification Sherloc (09022015). Collection method: clinical testing. Allele origin: germline.
Comment: This sequence change replaces alanine, which is neutral and non-polar, with valine, which is neutral and non-polar, at codon 174 of the JUP protein (p.Ala174Val). This variant is present in population databases (rs146786437, gnomAD 0.009%). This missense change has been observed in individual(s) with JUP-related conditions (PMID: 32880476). ClinVar contains an entry for this variant (Variation ID: 264367). An algorithm developed to predict the effect of missense changes on protein structure and function (PolyPhen-2) suggests that this variant is likely to be disruptive. In summary, the available evidence is currently insufficient to determine the role of this variant in disease. Therefore, it has been classified as a Variant of Uncertain Significance.

Ambry Genetics
Classification: Likely benign for Cardiovascular phenotype. Last evaluated: 2024-10-30. Review status: criteria provided, single submitter. Criteria: Ambry Variant Classification Scheme 2023. Collection method: clinical testing. Allele origin: germline.

Blueprint Genetics
Classification: Uncertain significance. Last evaluated: 2024-02-06. Review status: criteria provided, single submitter. Criteria: ACMG Guidelines, 2015. Collection method: clinical testing. Allele origin: germline.

Mayo Clinic Laboratories, Mayo Clinic
Classification: Uncertain significance. Last evaluated: 2023-11-01. Review status: criteria provided, single submitter. Criteria: ACMG Guidelines, 2015. Collection method: clinical testing. Allele origin: germline. Observed: 1 variant allele.

Fulgent Genetics
Classification: Uncertain significance for Naxos disease; Arrhythmogenic right ventricular dysplasia 12. Last evaluated: 2021-09-16. Review status: criteria provided, single submitter. Criteria: ACMG Guidelines, 2015. Collection method: clinical testing. Allele origin: unknown.

Literature cited by the submitters: PubMed 32880476 (cited by 3 submitters).